The following is an entry in ClinVar:

ClinVar aggregate classification (germline): Likely benign. Review status: criteria provided, multiple submitters, no conflicts (2 of 4 stars). 2 submissions from 2 submitters: Likely benign (2). Last evaluated 2025-12-15.

Conditions:
Autosomal recessive limb-girdle muscular dystrophy type 2J (LGMDR10). Also called: MUSCULAR DYSTROPHY, LIMB-GIRDLE, AUTOSOMAL RECESSIVE 10; Limb-girdle muscular dystrophy, type 2J. Identifiers: Orphanet 140922, MedGen C1837342, MONDO:0012127, OMIM 608807.
Dilated cardiomyopathy 1G (CMD1G). Identifiers: Orphanet 154, MedGen C1858763, MONDO:0011400, OMIM 604145.

Submissions (2):

Labcorp Genetics (formerly Invitae), Labcorp
Classification: Likely benign for Dilated cardiomyopathy 1G; Autosomal recessive limb-girdle muscular dystrophy type 2J. Last evaluated: 2025-12-15. Review status: criteria provided, single submitter. Criteria: Invitae Variant Classification Sherloc (09022015). Collection method: clinical testing. Allele origin: germline.

GeneDx
Classification: Likely benign. Last evaluated: 2017-12-12. Review status: criteria provided, single submitter. Criteria: GeneDx Variant Classification (06012015). Collection method: clinical testing. Allele origin: germline. Affected: yes.
Comment: This variant is considered likely benign or benign based on one or more of the following criteria: it is a conservative change, it occurs at a poorly conserved position in the protein, it is predicted to be benign by multiple in silico algorithms, and/or has population frequency not consistent with disease.

NM_001267550.2(TTN):c.2076+13_2076+15del

Gene: TTN (titin; minus strand). Cytogenetic location: 2q31.2.
Variant type: Microsatellite.
Coding change: c.2076+13_2076+15del on transcript NM_001267550.2 (MANE Select); bases 13 to 15 of the intron after coding-DNA position 2076, 3 bases deleted (GTT; older notation c.2076+13_2076+15delGTT).
Molecular consequence: intron variant.
Genome position (GRCh38, 1-based): chr2:178,789,345-178,789,347, AAC deleted on the plus strand (GTT on the coding strand, the reverse complement: TTN is on the minus strand); deleting any 3 consecutive bases within chr2:178,789,345-178,789,352 gives the same sequence; the c. name uses the placement nearest the transcript's 3' end. VCF-style (leftmost placement, unchanged base first): chr2-178789344-GAAC-G. GRCh37 (hg19) VCF-style: chr2-179654071-GAAC-G.
Other names: c.1938+13_1938+15del (NM_003319.4, NM_133437.4, NM_133432.3); c.2076+13_2076+15del (NM_133378.4, NM_001256850.1, NM_133379.5); c.2076+13_2076+15delGTT (NM_001256850.1).
Identifiers: ClinVar variation 514240 (VCV000514240.6), dbSNP rs777562481, ClinGen allele CA2005912.